The following is an entry in ClinVar:

ClinVar aggregate classification (germline): Likely pathogenic. Review status: criteria provided, multiple submitters, no conflicts (2 of 4 stars). 3 submissions from 3 submitters: Likely pathogenic (2). 1 of the submissions does not count toward it. Last evaluated 2025-07-03.

Conditions:
Hereditary factor XI deficiency disease. Also called: Congenital factor XI deficiency; PLASMA THROMBOPLASTIN ANTECEDENT DEFICIENCY; PTA DEFICIENCY; ROSENTHAL SYNDROME. Identifiers: Orphanet 329, MedGen C0015523, MeSH D005173, MONDO:0012897, OMIM 612416.
Plasma factor XI deficiency.

Submissions (3):

Natera, Inc.
Classification: Likely pathogenic for Plasma factor XI deficiency. Last evaluated: 2025-07-03. Review status: criteria provided, single submitter. Criteria: Natera Variant Classification Schema (03/2026). Collection method: clinical testing. Allele origin: germline.
Comment: The c.1481-1G>C variant in F11 is a canonical splice acceptor site variant predicted to affect pre-mRNA splicing, which may result in an abnormal transcript and altered protein product. This variant is expected to result in nonsense mediated decay, truncation, or a dysfunctional protein product. This variant is rare in the general population with a frequency below the threshold expected for the associated phenotype(s). Given the available evidence, this variant is classified as Likely Pathogenic.

Mayo Clinic Laboratories, Mayo Clinic
Classification: Likely pathogenic. Last evaluated: 2024-05-13. Review status: criteria provided, single submitter. Criteria: ACMG Guidelines, 2015. Collection method: clinical testing. Allele origin: germline. Observed: 1 variant allele.
Comment: PM2_moderate, PVS1

Counsyl
Classification: Likely pathogenic for Hereditary factor XI deficiency disease. Last evaluated: 2017-05-08. Review status: no assertion criteria provided. Collection method: clinical testing. Allele origin: unknown. Not counted in ClinVar's aggregate classification.

NM_000128.4(F11):c.1481-1G>C

Genes: F11-AS1 (F11 antisense RNA 1; minus strand), F11 (coagulation factor XI; plus strand). Cytogenetic location: 4q35.2.
Variant type: single nucleotide variant.
Coding change: c.1481-1G>C on transcript NM_000128.4 (MANE Select); the canonical splice acceptor site of the intron before coding-DNA position 1481, G replaced by C.
Molecular consequence: splice acceptor variant.
Genome position (GRCh38, 1-based): chr4:186,286,414, G>C. VCF-style: chr4-186286414-G-C. GRCh37 (hg19) VCF-style: chr4-187207568-G-C.
Other names: p.?.
Identifiers: ClinVar variation 551810 (VCV000551810.4), dbSNP rs1057516506, ClinGen allele CA358943860.